The following is an entry in ClinVar:

NM_001372044.2(SHANK3):c.800G>A (p.Arg267His)

Gene: SHANK3 (SH3 and multiple ankyrin repeat domains 3; plus strand). Cytogenetic location: 22q13.33.
Variant type: single nucleotide variant.
Coding change: c.800G>A on transcript NM_001372044.2 (MANE Select); coding-DNA position 800, G replaced by A.
Protein change: p.Arg267His; replaces arginine 267 with histidine.
Molecular consequence: missense variant.
Genome position (GRCh38, 1-based): chr22:50,678,895, G>A. VCF-style: chr22-50678895-G-A. GRCh37 (hg19) VCF-style: chr22-51117323-G-A.
Other names: c.575G>A, p.Arg192His (NM_033517.1); short protein forms R192H, R267H.
Identifiers: ClinVar variation 2435924 (VCV002435924.6), dbSNP rs370831167, ClinGen allele CA10325265.
Genomic context (GRCh38, chr22:50,678,895, plus strand): 5'-GTGGTGCCCACCTGGACTTCCGCACTCGCGATGGGCTCACTGCCGTGCACTGTGCCACAC[G>A]CCAGCGGAATGCGGCAGCACTGACGGTCAGTGAGGGCGGGGCCTGGCCTGGAGGGGCTCT-3'
Protein context (NP_001358973.1, residues 257-277): DGLTAVHCAT[Arg267His]QRNAAALTTL

ClinVar aggregate classification (germline): Conflicting classifications of pathogenicity. Review status: criteria provided, conflicting classifications (1 of 4 stars). 2 submissions from 2 submitters: Uncertain significance (1); Likely benign (1). Last evaluated 2026-01-01.

Conditions:
Phelan-McDermid syndrome. Also called: TELOMERIC 22q13 MONOSOMY SYNDROME; 22q13.3 deletion syndrome; Phelan-McDermid Syndrome-SHANK3 Related. Identifiers: Orphanet 48652, MedGen C1853490, MONDO:0011652, OMIM 606232.

Allele frequency attached by ClinVar (database versions not stated): gnomAD exomes 0.00002; TOPMed 0.00002; ExAC 0.00003; ESP Exome Variant Server 0.00008.

Submissions (2):

CeGaT Center for Human Genetics Tuebingen
Classification: Likely benign. Last evaluated: 2026-01-01. Review status: criteria provided, single submitter. Criteria: CeGaT Center For Human Genetics Tuebingen Variant Classification Criteria Version 2. Collection method: clinical testing. Allele origin: germline. Affected: yes. Observed: 1 variant allele.
Comment: SHANK3: BS2

Revvity Omics, Revvity
Classification: Uncertain significance for Phelan-McDermid syndrome. Last evaluated: 2019-10-02. Review status: criteria provided, single submitter. Criteria: ACMG Guidelines, 2015. Collection method: clinical testing. Allele origin: germline.